The following is an entry in ClinVar:

ClinVar aggregate classification (germline): Conflicting classifications of pathogenicity. Review status: criteria provided, conflicting classifications (1 of 4 stars). 3 submissions from 3 submitters: Uncertain significance (2); Likely benign (1). Last evaluated 2026-06-02.

Conditions:
Inborn genetic diseases. Identifiers: MedGen C0950123, MeSH D030342.
Biotinidase deficiency. Also called: BTD deficiency; Late-onset biotin-responsive multiple carboxylase deficiency; Biotin deficiency. Identifiers: Orphanet 79241, MedGen C0220754, MONDO:0009665, OMIM 253260.

Allele frequency attached by ClinVar (database versions not stated): TOPMed 0.00006; gnomAD 0.00002; 1000 Genomes Project 30x 0.00016; ExAC 0.00014; 1000 Genomes Project 0.00020.
gnomAD v4.1: 50 of 1,614,180 alleles (0.0031%); highest among the groups gnomAD compares: Admixed American, 0.067%; no homozygotes.

Submissions (3):

Ambry Genetics
Classification: Likely benign for Inborn genetic diseases. Last evaluated: 2026-06-02. Review status: criteria provided, single submitter. Criteria: Ambry Variant Classification Scheme 2023. Collection method: clinical testing. Allele origin: germline.

Labcorp Genetics (formerly Invitae), Labcorp
Classification: Uncertain significance for Biotinidase deficiency. Last evaluated: 2024-12-03. Review status: criteria provided, single submitter. Criteria: Invitae Variant Classification Sherloc (09022015). Collection method: clinical testing. Allele origin: germline.
Comment: This sequence change replaces valine, which is neutral and non-polar, with isoleucine, which is neutral and non-polar, at codon 296 of the BTD protein (p.Val296Ile). This variant is present in population databases (rs185225945, gnomAD 0.1%). This variant has not been reported in the literature in individuals affected with BTD-related conditions. ClinVar contains an entry for this variant (Variation ID: 2083175). An algorithm developed to predict the effect of missense changes on protein structure and function outputs the following: PolyPhen-2: "Benign". The isoleucine amino acid residue is found in multiple mammalian species, which suggests that this missense change does not adversely affect protein function. In summary, the available evidence is currently insufficient to determine the role of this variant in disease. Therefore, it has been classified as a Variant of Uncertain Significance.

Department of Pathology and Laboratory Medicine, Sinai Health System
Classification: Uncertain significance for biotinidase deficiency. Last evaluated: 2022-02-17. Review status: criteria provided, single submitter. Criteria: ACMG Guidelines, 2015. Collection method: research. Allele origin: germline.

Literature cited by the submitters: PubMed 36413997 (cited by Ambry Genetics).

NM_001370658.1(BTD):c.826G>A (p.Val276Ile)

Gene: BTD (biotinidase; plus strand). Cytogenetic location: 3p25.1.
Variant type: single nucleotide variant.
Coding change: c.826G>A on transcript NM_001370658.1 (MANE Select); coding-DNA position 826, G replaced by A.
Protein change: p.Val276Ile; replaces valine 276 with isoleucine.
Molecular consequence: missense variant. On other transcripts: intron variant (6).
Genome position (GRCh38, 1-based): chr3:15,644,742, G>A. VCF-style: chr3-15644742-G-A. GRCh37 (hg19) VCF-style: chr3-15686249-G-A.
Other names: c.826G>A, p.Val276Ile (NM_001281723.4, NM_001281724.3, NM_001281725.3 and 18 more transcripts); c.399+2685G>A (NM_001370753.1, NM_001407400.1, NM_001407380.1 and 3 more transcripts); c.886G>A (NM_000060.2); short protein forms V276I.
Identifiers: ClinVar variation 2083175 (VCV002083175.5), dbSNP rs185225945, ClinGen allele CA2277393.
Genomic context (GRCh38, chr3:15,644,742, plus strand): 5'-CTCCCACTCTTGGCAGCAATTGAGATTCAGAAAGCTTTTGCTGTTGCCTTTGGCATCAAC[G>A]TTCTGGCAGCTAATGTCCACCACCCAGTTCTGGGGATGACAGGAAGTGGCATACACACCC-3'
Protein context (NP_001357587.1, residues 266-286): KAFAVAFGIN[Val276Ile]LAANVHHPVL